The following is an entry in ClinVar:

ClinVar aggregate classification (germline): Pathogenic (1 of 4 stars; one submission).

Conditions:
Peroxisome biogenesis disorder. Identifiers: Orphanet 79189, MedGen C1832200, MONDO:0019234. Disease mechanism: loss of function.

Submission:

Myriad Genetics, Inc.
Classification: Pathogenic for Peroxisome biogenesis disorder. Last evaluated: 2025-09-07. Review status: criteria provided, single submitter. Criteria: Myriad Autosomal Dominant, Autosomal Recessive and X-Linked Classification Criteria (2023). Collection method: clinical testing. Allele origin: unknown.
Comment: NM_000466.2(PEX1):c.1396_1402del7(F466Hfs*14) is expected to be pathogenic in the context of peroxisome biogenesis disorder type 1. This variant is predicted to lead to an abnormal or absent protein product due to the creation of a premature termination codon in PEX1, a gene where loss-of-function variants are known to be pathogenic. Please note: this variant was assessed in the context of healthy population screening.

NM_000466.3(PEX1):c.1396_1402del (p.Phe466fs)

Gene: PEX1 (peroxisomal biogenesis factor 1; minus strand). Cytogenetic location: 7q21.2.
Variant type: Deletion.
Coding change: c.1396_1402del on transcript NM_000466.3 (MANE Select); coding-DNA positions 1396 to 1402, 7 bases deleted (TTTTATT; older notation c.1396_1402delTTTTATT).
Protein change: p.Phe466fs; shifts the reading frame from phenylalanine 466.
Molecular consequence: frameshift variant.
Genome position (GRCh38, 1-based): chr7:92,511,661-92,511,667, AATAAAA deleted on the plus strand (TTTTATT on the coding strand, the reverse complement: PEX1 is on the minus strand). VCF-style (leftmost placement, unchanged base first): chr7-92511660-GAATAAAA-G. GRCh37 (hg19) VCF-style: chr7-92140974-GAATAAAA-G.
Other names: c.1396_1402del, p.Phe466fs (NM_001282677.2); c.772_778del, p.Phe258fs (NM_001282678.2); short protein forms F258fs, F466fs.
Identifiers: ClinVar variation 5014942 (VCV005014942.1).
Genomic context (GRCh38, chr7:92,511,660, plus strand): 5'-ATAAATTCTTCCTCTGATATTACCAAAGGAAGCATGGTGGTAGTAGACTGCTGTAGCCAT[GAATAAAA>G]TACAGTTTTTATGTCTTCTTCACTTATGTCTTTAGGCTGCCAGAAAAAGGAATAGTAATG-3'